The following is an entry in ClinVar:

ClinVar aggregate classification (germline): Uncertain significance. Review status: criteria provided, multiple submitters, no conflicts (2 of 4 stars). 2 submissions from 2 submitters: Uncertain significance (2). Last evaluated 2024-10-24.

Submissions (2):

Labcorp Genetics (formerly Invitae), Labcorp
Classification: Uncertain significance. Last evaluated: 2024-10-24. Review status: criteria provided, single submitter. Criteria: Invitae Variant Classification Sherloc (09022015). Collection method: clinical testing. Allele origin: germline.
Comment: This sequence change creates a premature translational stop signal (p.Ser1262*) in the SAMD9L gene. While this is not anticipated to result in nonsense mediated decay, it is expected to disrupt the last 323 amino acid(s) of the SAMD9L protein. This variant is not present in population databases (gnomAD no frequency). This variant has not been reported in the literature in individuals affected with SAMD9L-related conditions. ClinVar contains an entry for this variant (Variation ID: 2055371). Experimental studies and prediction algorithms are not available or were not evaluated, and the functional significance of this variant is currently unknown. In summary, the available evidence is currently insufficient to determine the role of this variant in disease. Therefore, it has been classified as a Variant of Uncertain Significance.

GeneDx
Classification: Uncertain significance. Last evaluated: 2022-12-12. Review status: criteria provided, single submitter. Criteria: GeneDx Variant Classification Process June 2021. Collection method: clinical testing. Allele origin: germline. Affected: yes.
Comment: Not observed at significant frequency in large population cohorts (gnomAD); Nonsense variant predicted to result in protein truncation or nonsense mediated decay in a gene or region of a gene for which loss of function is not a well-established mechanism of disease; Has not been previously published as pathogenic or benign to our knowledge

NM_152703.5(SAMD9L):c.3785C>A (p.Ser1262Ter)

Gene: SAMD9L (sterile alpha motif domain containing 9 like; minus strand). Cytogenetic location: 7q21.2.
Variant type: single nucleotide variant.
Coding change: c.3785C>A on transcript NM_152703.5 (MANE Select); coding-DNA position 3785, C replaced by A.
Protein change: p.Ser1262Ter; replaces serine 1262 with a stop codon.
Molecular consequence: nonsense.
Genome position (GRCh38, 1-based): chr7:93,132,187, G>T on the plus strand (C>A on the coding strand, the complement: SAMD9L is on the minus strand). VCF-style: chr7-93132187-G-T. GRCh37 (hg19) VCF-style: chr7-92761500-G-T.
Other names: c.3785C>A, p.Ser1262Ter (NM_001303496.3, NM_001303497.3, NM_001303498.3 and 5 more transcripts); c.3785C>A (NM_152703.3); short protein forms S1262*.
Identifiers: ClinVar variation 2055371 (VCV002055371.5), dbSNP rs2535409348, ClinGen allele CA368180042.